The following is an entry in ClinVar:

NM_016233.2(PADI3):c.1185A>G (p.Glu395=)

Gene: PADI3 (peptidyl arginine deiminase 3; plus strand). Cytogenetic location: 1p36.13.
Variant type: single nucleotide variant.
Coding change: c.1185A>G on transcript NM_016233.2 (MANE Select); coding-DNA position 1185, A replaced by G.
Protein change: p.Glu395=; no amino-acid change (glutamic acid 395 retained).
Molecular consequence: synonymous variant.
Genome position (GRCh38, 1-based): chr1:17,274,664, A>G. VCF-style: chr1-17274664-A-G. GRCh37 (hg19) VCF-style: chr1-17601159-A-G.
Identifiers: ClinVar variation 2638394 (VCV002638394.24), dbSNP rs147274679, ClinGen allele CA640004.

ClinVar aggregate classification (germline): Likely benign (1 of 4 stars; one submission).

Allele frequency attached by ClinVar (database versions not stated): ESP Exome Variant Server 0.00315; gnomAD exomes 0.00334; 1000 Genomes Project 0.00100; 1000 Genomes Project 30x 0.00109; ExAC 0.00178; TOPMed 0.00207; gnomAD 0.00216.
gnomAD v4.1: 5,113 of 1,613,110 alleles (0.32%); highest among the groups gnomAD compares: Non-Finnish European, 0.41%; 14 homozygotes.

Submission:

CeGaT Center for Human Genetics Tuebingen
Classification: Likely benign. Last evaluated: 2023-03-01. Review status: criteria provided, single submitter. Criteria: CeGaT Center For Human Genetics Tuebingen Variant Classification Criteria Version 2. Collection method: clinical testing. Allele origin: germline. Affected: yes. Observed: 2 variant alleles.
Comment: PADI3: BP4, BP7